The following is an entry in ClinVar:

ClinVar aggregate classification (germline): Benign (1 of 4 stars; one submission).

Conditions:
Leigh syndrome (NULS). Also called: Leigh's necrotizing encephalopathy; Leigh's disease; Leigh's syndrome; LEIGH SYNDROME, NUCLEAR; Leigh Syndrome (mtDNA deletion); Leigh Disease. Identifiers: Orphanet 506, MedGen C2931891, MONDO:0009723, OMIM 256000.

Submission:

Wong Mito Lab, Molecular and Human Genetics, Baylor College of Medicine
Classification: Benign for Leigh syndrome. Last evaluated: 2019-10-17. Review status: criteria provided, single submitter. Criteria: Modified ACMG Guidelines (Unpublished). Collection method: clinical testing. Allele origin: germline.
Comment: The NC_012920.1:m.15311A>G (YP_003024038.1:p.Ile189Val) variant in MTCYB gene is interpretated to be a Benign variant based on the modified ACMG guidelines (unpublished). This variant meets the following evidence codes: BA1

NC_012920.1(MT-CYB):m.15311A>G

Gene: MT-CYB (mitochondrially encoded cytochrome b; plus strand).
Variant type: single nucleotide variant.
Genome position: chrM-15311-A-G.
Identifiers: ClinVar variation 693863 (VCV000693863.1), dbSNP rs35070048, ClinGen allele CA337100359.